The following is an entry in ClinVar:

ClinVar aggregate classification (germline): Conflicting classifications of pathogenicity. Review status: criteria provided, conflicting classifications (1 of 4 stars). 4 submissions from 4 submitters: Likely pathogenic (2); Uncertain significance (2). Last evaluated 2025-06-24.

Conditions:
Oculocutaneous albinism type 4 (OCA4). Also called: Albinism, oculocutaneous, type IV. Identifiers: Orphanet 79435, MedGen C1847836, MONDO:0011683, OMIM 606574.

Allele frequency attached by ClinVar (database versions not stated): ExAC 0.00001; gnomAD exomes 0.00001.
gnomAD v4.1: 4 of 1,614,144 alleles (0.00025%); highest among the groups gnomAD compares: East Asian, 0.0089%; no homozygotes.

Submissions (4):

Women's Health and Genetics/Laboratory Corporation of America, LabCorp
Classification: Uncertain significance. Last evaluated: 2025-06-24. Review status: criteria provided, single submitter. Criteria: LabCorp Variant Classification Summary - May 2015. Collection method: clinical testing. Allele origin: germline.
Comment: Variant summary: SLC45A2 c.686G>A (p.Cys229Tyr) results in a non-conservative amino acid change in the encoded protein sequence. Five of five in-silico tools predict a damaging effect of the variant on protein function. The variant allele was found at a frequency of 8e-06 in 251458 control chromosomes. c.686G>A has been reported in the literature in compound heterozygous individuals affected with Oculocutaneous albinism type 4 (e.g. Inagaki_2006, Park_2012, Lasseaux_2018). These data indicate that the variant may be associated with disease. To our knowledge, no experimental evidence demonstrating an impact on protein function has been reported. The following publications have been ascertained in the context of this evaluation (PMID: 16965274, 29345414, 22042571). ClinVar contains an entry for this variant (Variation ID: 2734707). Based on the evidence outlined above, the variant was classified as VUS-possibly pathogenic.

3billion
Classification: Likely pathogenic for Oculocutaneous albinism type 4. Last evaluated: 2024-09-03. Review status: criteria provided, single submitter. Criteria: ACMG Guidelines, 2015. Collection method: clinical testing. Allele origin: germline. Affected: yes.
Comment: The variant is observed at an extremely low frequency in the gnomAD v4.0.0 dataset (total allele frequency: <0.001%). Predicted Consequence/Location: Missense variant In silico tool predictions suggest damaging effect of the variant on gene or gene product [REVEL: 0.72 (>=0.6, sensitivity 0.68 and specificity 0.92); 3Cnet: 0.99 (>=0.6, sensitivity 0.72 and precision 0.9)]. The same nucleotide change resulting in the same amino acid change has been previously reported to be associated with SLC45A2 related disorder (PMID: 16965274). The variant has been reported to be in trans with a pathogenic variant as either compound heterozygous or homozygous in at least one similarly affected unrelated individual (PMID: 16965274). Therefore, this variant is classified as Likely pathogenic according to the recommendation of ACMG/AMP guideline.

GeneDx
Classification: Uncertain significance. Last evaluated: 2023-09-28. Review status: criteria provided, single submitter. Criteria: GeneDx Variant Classification Process June 2021. Collection method: clinical testing. Allele origin: germline. Affected: yes.
Comment: In silico analysis supports that this missense variant has a deleterious effect on protein structure/function; This variant is associated with the following publications: (PMID: 32969595, 16965274, 22042571, 30398625)

Labcorp Genetics (formerly Invitae), Labcorp
Classification: Likely pathogenic. Last evaluated: 2023-01-20. Review status: criteria provided, single submitter. Criteria: Invitae Variant Classification Sherloc (09022015). Collection method: clinical testing. Allele origin: germline.
Comment: This sequence change replaces cysteine, which is neutral and slightly polar, with tyrosine, which is neutral and polar, at codon 229 of the SLC45A2 protein (p.Cys229Tyr). This variant is present in population databases (rs769099171, gnomAD 0.01%). This missense change has been observed in individual(s) with ocular albinism (PMID: 16965274, 22042571). In at least one individual the data is consistent with being in trans (on the opposite chromosome) from a pathogenic variant. Advanced modeling of protein sequence and biophysical properties (such as structural, functional, and spatial information, amino acid conservation, physicochemical variation, residue mobility, and thermodynamic stability) performed at Invitae indicates that this missense variant is expected to disrupt SLC45A2 protein function. In summary, the currently available evidence indicates that the variant is pathogenic, but additional data are needed to prove that conclusively. Therefore, this variant has been classified as Likely Pathogenic.

Literature cited by the submitters: PubMed 29345414 (cited by Women's Health and Genetics/Laboratory Corporation of America, LabCorp); PubMed 16965274 (cited by 3 submitters); PubMed 22042571 (cited by Women's Health and Genetics/Laboratory Corporation of America, LabCorp and Labcorp Genetics (formerly Invitae), Labcorp).

NM_016180.5(SLC45A2):c.686G>A (p.Cys229Tyr)

Gene: SLC45A2 (solute carrier family 45 member 2; minus strand). Cytogenetic location: 5p13.2.
Variant type: single nucleotide variant.
Coding change: c.686G>A on transcript NM_016180.5 (MANE Select); coding-DNA position 686, G replaced by A.
Protein change: p.Cys229Tyr; replaces cysteine 229 with tyrosine.
Molecular consequence: missense variant. On other transcripts: intron variant (1).
Genome position (GRCh38, 1-based): chr5:33,963,893, C>T on the plus strand (G>A on the coding strand, the complement: SLC45A2 is on the minus strand). VCF-style: chr5-33963893-C-T. GRCh37 (hg19) VCF-style: chr5-33963998-C-T.
Other names: c.686G>A, p.Cys229Tyr (NM_001012509.4); c.563-9389G>A (NM_001297417.4); c.686G>A (NM_016180.3); short protein forms C229Y.
Identifiers: ClinVar variation 2734707 (VCV002734707.7), dbSNP rs769099171, ClinGen allele CA3225717.